The following is an entry in ClinVar:

ClinVar aggregate classification (germline): Pathogenic (1 of 4 stars; one submission).

Conditions:
3-Methylglutaconic aciduria type 2 (BTHS). Also called: Barth syndrome; CARDIOSKELETAL MYOPATHY WITH NEUTROPENIA AND ABNORMAL MITOCHONDRIA. Identifiers: Orphanet 111, MedGen C0574083, MONDO:0010543, OMIM 302060.

Submission:

Labcorp Genetics (formerly Invitae), Labcorp
Classification: Pathogenic for 3-Methylglutaconic aciduria type 2. Last evaluated: 2021-08-04. Review status: criteria provided, single submitter. Criteria: Invitae Variant Classification Sherloc (09022015). Collection method: clinical testing. Allele origin: germline.
Comment: This variant is a gross deletion of the genomic region encompassing exon(s) 6-11 of the TAZ gene. The 5' boundary is likely confined to intron 5. The 3' end of this event is unknown as it extends through the termination codon beyond the assayed region for this gene and may encompass additional genes. While this deletion is not anticipated to lead to nonsense mediated decay, it is expected to alter mRNA translation or result in a truncated protein product. A similar copy number variant has been observed in individual(s) with Barth syndrome (PMID: 23656970). In at least one individual the variant was observed to be de novo. For these reasons, this variant has been classified as Pathogenic.

Literature cited by the submitters: PubMed 23656970.

NC_000023.10:g.(?_153647872)_(153650075_?)del

Gene: TAFAZZIN (tafazzin, phospholipid-lysophospholipid transacylase; plus strand). Cytogenetic location: Xq28.
Variant type: Deletion.
Identifiers: ClinVar variation 1070849 (VCV001070849.2).